The following is an entry in ClinVar:

ClinVar aggregate classification (germline): Benign (1 of 4 stars; one submission).

Allele frequency attached by ClinVar (database versions not stated): 1000 Genomes Project 0.26518; 1000 Genomes Project 30x 0.26811; TOPMed 0.35181; gnomAD 0.37167 and 0.37222.

Submission:

GeneDx
Classification: Benign. Last evaluated: 2018-06-14. Review status: criteria provided, single submitter. Criteria: GeneDx Variant Classification (06012015). Collection method: clinical testing. Allele origin: germline. Affected: yes.
Comment: This variant is considered likely benign or benign based on one or more of the following criteria: it is a conservative change, it occurs at a poorly conserved position in the protein, it is predicted to be benign by multiple in silico algorithms, and/or has population frequency not consistent with disease.

NM_021830.5(TWNK):c.1485-259_1485-254del

Gene: TWNK (twinkle mtDNA helicase; plus strand). Cytogenetic location: 10q24.31.
Variant type: Deletion.
Coding change: c.1485-259_1485-254del on transcript NM_021830.5 (MANE Select); 259 bases into the intron before coding-DNA position 1485 through 254 bases into the intron before coding-DNA position 1485, 6 bases deleted (ATGGCA; older notation c.1485-259_1485-254delATGGCA).
Molecular consequence: intron variant.
Genome position (GRCh38, 1-based): chr10:100,990,177-100,990,182, ATGGCA deleted. VCF-style (leftmost placement, unchanged base first): chr10-100990176-GATGGCA-G. GRCh37 (hg19) VCF-style: chr10-102749933-GATGGCA-G.
Other names: c.1485-259_1485-254del (NM_001163812.2); c.123-259_123-254del (NM_001163814.2, NM_001163813.2, NM_001368275.1).
Identifiers: ClinVar variation 683418 (VCV000683418.1), dbSNP rs148155886, ClinGen allele CA212963749.